The following is an entry in ClinVar:

ClinVar aggregate classification (germline): Uncertain significance (0 of 4 stars; one submission).

Conditions:
PLXNA4-related disorder. Also called: PLXNA4-related condition.

Submission:

PreventionGenetics, part of Exact Sciences
Classification: Uncertain significance for PLXNA4-related condition. Last evaluated: 2023-10-27. Review status: no assertion criteria provided. Collection method: clinical testing. Allele origin: germline.
Comment: The PLXNA4 c.2587-2A>G variant is predicted to disrupt the AG splice acceptor site and interfere with normal splicing. To our knowledge, this variant has not been reported in the literature or in a large population database, indicating this variant is rare. At this time, the clinical significance of this variant is uncertain due to the absence of conclusive functional and genetic evidence.

NM_020911.2(PLXNA4):c.2587-2A>G

Gene: PLXNA4 (plexin A4; minus strand). Cytogenetic location: 7q32.3.
Variant type: single nucleotide variant.
Coding change: c.2587-2A>G on transcript NM_020911.2 (MANE Select); the canonical splice acceptor site of the intron before coding-DNA position 2587, A replaced by G.
Molecular consequence: splice acceptor variant.
Genome position (GRCh38, 1-based): chr7:132,198,638, T>C on the plus strand (A>G on the coding strand, the complement: PLXNA4 is on the minus strand). VCF-style: chr7-132198638-T-C. GRCh37 (hg19) VCF-style: chr7-131883397-T-C.
Other names: c.2587-2A>G (NM_001393897.1).
Identifiers: ClinVar variation 3348192 (VCV003348192.1).